The following is an entry in ClinVar:

ClinVar aggregate classification (germline): Uncertain significance. Review status: criteria provided, multiple submitters, no conflicts (2 of 4 stars). 3 submissions from 3 submitters: Uncertain significance (3). Last evaluated 2024-01-23.

Conditions:
Inborn genetic diseases. Identifiers: MedGen C0950123, MeSH D030342.

Allele frequency attached by ClinVar (database versions not stated): ExAC 0.00003; gnomAD 0.00003; gnomAD exomes 0.00003; TOPMed 0.00004; ESP Exome Variant Server 0.00015.
gnomAD v4.1: 54 of 1,600,000 alleles (0.0034%); highest among the groups gnomAD compares: Admixed American, 0.0087%; no homozygotes.

Submissions (3):

Blueprint Genetics
Classification: Uncertain significance. Last evaluated: 2024-01-23. Review status: criteria provided, single submitter. Criteria: ACMG Guidelines, 2015. Collection method: clinical testing. Allele origin: germline.

Labcorp Genetics (formerly Invitae), Labcorp
Classification: Uncertain significance. Last evaluated: 2022-07-23. Review status: criteria provided, single submitter. Criteria: Invitae Variant Classification Sherloc (09022015). Collection method: clinical testing. Allele origin: germline.
Comment: Advanced modeling of protein sequence and biophysical properties (such as structural, functional, and spatial information, amino acid conservation, physicochemical variation, residue mobility, and thermodynamic stability) performed at Invitae indicates that this missense variant is not expected to disrupt CRB2 protein function. This variant has not been reported in the literature in individuals affected with CRB2-related conditions. This variant is present in population databases (rs138281838, gnomAD 0.007%). In summary, the available evidence is currently insufficient to determine the role of this variant in disease. Therefore, it has been classified as a Variant of Uncertain Significance. This sequence change replaces glycine, which is neutral and non-polar, with arginine, which is basic and polar, at codon 286 of the CRB2 protein (p.Gly286Arg).

Ambry Genetics
Classification: Uncertain significance for Inborn genetic diseases. Last evaluated: 2021-01-07. Review status: criteria provided, single submitter. Criteria: Ambry Variant Classification Scheme 2023. Collection method: clinical testing. Allele origin: germline.
Comment: The c.856G>A (p.G286R) alteration is located in exon 5 (coding exon 5) of the CRB2 gene. This alteration results from a G to A substitution at nucleotide position 856, causing the glycine (G) at amino acid position 286 to be replaced by an arginine (R). The p.G286R alteration is predicted to be tolerated by in silico analysis. Based on insufficient or conflicting evidence, the clinical significance of this alteration remains unclear.

NM_173689.7(CRB2):c.856G>A (p.Gly286Arg)

Gene: CRB2 (crumbs cell polarity complex component 2; plus strand). Cytogenetic location: 9q33.3.
Variant type: single nucleotide variant.
Coding change: c.856G>A on transcript NM_173689.7 (MANE Select); coding-DNA position 856, G replaced by A.
Protein change: p.Gly286Arg; replaces glycine 286 with arginine.
Molecular consequence: missense variant.
Genome position (GRCh38, 1-based): chr9:123,367,273, G>A. VCF-style: chr9-123367273-G-A. GRCh37 (hg19) VCF-style: chr9-126129552-G-A.
Other names: c.856G>A (NM_173689.5); short protein forms G286R.
Identifiers: ClinVar variation 2176976 (VCV002176976.6), dbSNP rs138281838, ClinGen allele CA5231822.